The following is an entry in ClinVar:

ClinVar aggregate classification (germline): Uncertain significance (1 of 4 stars; one submission).

Conditions:
Ataxia-telangiectasia syndrome (AT). Also called: Ataxia-telangiectasia, complementation group D; AT, COMPLEMENTATION GROUP C; ATAXIA-TELANGIECTASIA, COMPLEMENTATION GROUP A; ATAXIA-TELANGIECTASIA, FRESNO VARIANT; Ataxia-telangiectasia; Ataxia telangiectasia (A-T). Identifiers: Orphanet 100, MedGen C0004135, MONDO:0008840, OMIM 208900.

Submission:

Labcorp Genetics (formerly Invitae), Labcorp
Classification: Uncertain significance for Ataxia-telangiectasia syndrome. Last evaluated: 2021-12-02. Review status: criteria provided, single submitter. Criteria: Invitae Variant Classification Sherloc (09022015). Collection method: clinical testing. Allele origin: germline.
Comment: This variant has not been reported in the literature in individuals affected with ATM-related conditions. This variant is not present in population databases (gnomAD no frequency). This sequence change replaces isoleucine, which is neutral and non-polar, with asparagine, which is neutral and polar, at codon 2064 of the ATM protein (p.Ile2064Asn). In summary, the available evidence is currently insufficient to determine the role of this variant in disease. Therefore, it has been classified as a Variant of Uncertain Significance. Advanced modeling of protein sequence and biophysical properties (such as structural, functional, and spatial information, amino acid conservation, physicochemical variation, residue mobility, and thermodynamic stability) performed at Invitae indicates that this missense variant is not expected to disrupt ATM protein function. ClinVar contains an entry for this variant (Variation ID: 950020).

NM_000051.4(ATM):c.6191T>A (p.Ile2064Asn)

Genes: ATM (ATM serine/threonine kinase; plus strand), C11orf65 (chromosome 11 open reading frame 65; minus strand). Cytogenetic location: 11q22.3.
Variant type: single nucleotide variant.
Coding change: c.6191T>A on transcript NM_000051.4 (MANE Select); coding-DNA position 6191, T replaced by A.
Protein change: p.Ile2064Asn; replaces isoleucine 2064 with asparagine.
Molecular consequence: missense variant. On other transcripts: intron variant (2).
Genome position (GRCh38, 1-based): chr11:108,316,106, T>A. VCF-style: chr11-108316106-T-A. GRCh37 (hg19) VCF-style: chr11-108186833-T-A.
Other names: c.6191T>A, p.Ile2064Asn (NM_001351834.2); c.641-7035A>T (NM_001330368.2); c.*39-7035A>T (NM_001351110.2); short protein forms I2064N.
Identifiers: ClinVar variation 950020 (VCV000950020.8), dbSNP rs1555113854, ClinGen allele CA382550774.
Genomic context (GRCh38, chr11:108,316,106, plus strand): 5'-AAGCCCTAGTAACATATGACCTCGAAACAGCAATCCCCTCATCAACACGCCAGGCAGGAA[T>A]CATTCAGGTACATTTTTTCCCAGATTTGGTAAAGCCATCACTAGTGTAGTGCTGAGGTTA-3'
Protein context (NP_000042.3, residues 2054-2074): AIPSSTRQAG[Ile2064Asn]IQALQNLGLC